The following is an entry in ClinVar:

ClinVar aggregate classification (germline): Benign/Likely benign. Review status: criteria provided, multiple submitters, no conflicts (2 of 4 stars). 4 submissions from 4 submitters: Benign (1); Likely benign (3). Last evaluated 2025-12-19.

Conditions:
Hereditary nonpolyposis colorectal neoplasms. Identifiers: MedGen C0009405, MeSH D003123.
Hereditary cancer-predisposing syndrome. Also called: Hereditary Cancer Syndrome; Neoplastic Syndromes, Hereditary; Tumor predisposition; Hereditary neoplastic syndrome. Identifiers: Orphanet 140162, MedGen C0027672, MeSH D009386, MONDO:0015356.
Lynch syndrome 4 (LYNCH4). Also called: Colorectal cancer, hereditary nonpolyposis, type 4; Hereditary non-polyposis colorectal cancer, type 4. Identifiers: Orphanet 144, MedGen C1838333, MONDO:0013699, OMIM 614337. Disease mechanism: loss of function.

Submissions (4):

Labcorp Genetics (formerly Invitae), Labcorp
Classification: Likely benign for Hereditary nonpolyposis colorectal neoplasms. Last evaluated: 2025-12-19. Review status: criteria provided, single submitter. Criteria: Invitae Variant Classification Sherloc (09022015). Collection method: clinical testing. Allele origin: germline.

Myriad Genetics, Inc.
Classification: Benign for Lynch syndrome 4. Last evaluated: 2025-02-04. Review status: criteria provided, single submitter. Criteria: Myriad Autosomal Dominant, Autosomal Recessive and X-Linked Classification Criteria (2023). Collection method: clinical testing. Allele origin: unknown.
Comment: This variant is considered benign. This variant is a silent/synonymous amino acid change and it is not expected to impact splicing.

Sema4
Classification: Likely benign for Hereditary cancer-predisposing syndrome. Last evaluated: 2021-07-21. Review status: criteria provided, single submitter. Criteria: Sema4 Curation Guidelines. Collection method: curation. Allele origin: germline.

Ambry Genetics
Classification: Likely benign for Hereditary cancer-predisposing syndrome. Last evaluated: 2016-09-15. Review status: criteria provided, single submitter. Criteria: Ambry Variant Classification Scheme 2023. Collection method: clinical testing. Allele origin: germline.

NM_000535.7(PMS2):c.2532C>T (p.Pro844=)

Gene: PMS2 (PMS1 homolog 2, mismatch repair system component; minus strand). Cytogenetic location: 7p22.1.
Variant type: single nucleotide variant.
Coding change: c.2532C>T on transcript NM_000535.7 (MANE Select); coding-DNA position 2532, C replaced by T.
Protein change: p.Pro844=; no amino-acid change (proline 844 retained).
Molecular consequence: synonymous variant. On other transcripts: non-coding transcript variant (1).
Genome position (GRCh38, 1-based): chr7:5,973,456, G>A on the plus strand (C>T on the coding strand, the complement: PMS2 is on the minus strand). VCF-style: chr7-5973456-G-A. GRCh37 (hg19) VCF-style: chr7-6013087-G-A.
Other names: c.2127C>T, p.Pro709= (NM_001322003.2, NM_001322004.2, NM_001322005.2); c.2376C>T, p.Pro792= (NM_001322006.2); c.2214C>T, p.Pro738= (NM_001322007.2, NM_001322008.2); c.2160C>T, p.Pro720= (NM_001322009.2); c.1971C>T, p.Pro657= (NM_001322010.2); c.1599C>T, p.Pro533= (NM_001322011.2, NM_001322012.2); c.1959C>T, p.Pro653= (NM_001322013.2); c.2565C>T, p.Pro855= (NM_001322014.2); and 1 more.
Identifiers: ClinVar variation 480348 (VCV000480348.18), dbSNP rs1554292744, ClinGen allele CA453642049.